The following is an entry in ClinVar:

NM_001278064.2(GRM1):c.3206C>T (p.Pro1069Leu)

Gene: GRM1 (glutamate metabotropic receptor 1; plus strand). Cytogenetic location: 6q24.3.
Variant type: single nucleotide variant.
Coding change: c.3206C>T on transcript NM_001278064.2 (MANE Select); coding-DNA position 3206, C replaced by T.
Protein change: p.Pro1069Leu; replaces proline 1069 with leucine.
Molecular consequence: missense variant. On other transcripts: 3 prime UTR variant (3).
Genome position (GRCh38, 1-based): chr6:146,434,417, C>T. VCF-style: chr6-146434417-C-T. GRCh37 (hg19) VCF-style: chr6-146755553-C-T.
Other names: c.*570C>T (NM_001278065.2); c.*535C>T (NM_001278066.1); c.*444C>T (NM_001278067.1); short protein forms P1069L.
Identifiers: ClinVar variation 447464 (VCV000447464.17), dbSNP rs79336287, ClinGen allele CA4037646.

ClinVar aggregate classification (germline): Benign/Likely benign. Review status: criteria provided, multiple submitters, no conflicts (2 of 4 stars). 6 submissions from 6 submitters: Benign (1); Likely benign (5). Last evaluated 2026-06-01.

Allele frequency attached by ClinVar (database versions not stated): gnomAD exomes 0.00102 and 0.00171; ExAC 0.00175; TOPMed 0.00320; gnomAD 0.00325 and 0.00337; 1000 Genomes Project 0.00499; 1000 Genomes Project 30x 0.00500.
gnomAD v4.1: 2,056 of 1,613,554 alleles (0.13%); highest among the groups gnomAD compares: African/African-American, 0.77%; 6 homozygotes.

Submissions (6):

CeGaT Center for Human Genetics Tuebingen
Classification: Likely benign. Last evaluated: 2026-06-01. Review status: criteria provided, single submitter. Criteria: CeGaT Center For Human Genetics Tuebingen Variant Classification Criteria Version 2. Collection method: clinical testing. Allele origin: germline. Affected: yes. Observed: 1 variant allele.
Comment: GRM1: BP4, BS2

Labcorp Genetics (formerly Invitae), Labcorp
Classification: Likely benign. Last evaluated: 2026-01-22. Review status: criteria provided, single submitter. Criteria: Invitae Variant Classification Sherloc (09022015). Collection method: clinical testing. Allele origin: germline.

Mayo Clinic Laboratories, Mayo Clinic
Classification: Likely benign. Last evaluated: 2025-06-04. Review status: criteria provided, single submitter. Criteria: ACMG Guidelines, 2015. Collection method: clinical testing. Allele origin: germline. Observed: 1 variant allele.
Comment: BS1

Blueprint Genetics
Classification: Likely benign. Last evaluated: 2024-11-20. Review status: criteria provided, single submitter. Criteria: ACMG Guidelines, 2015. Collection method: clinical testing. Allele origin: germline.

Athena Diagnostics
Classification: Benign. Last evaluated: 2024-08-13. Review status: criteria provided, single submitter. Criteria: Athena Diagnostics Criteria. Collection method: clinical testing. Allele origin: unknown.

Breakthrough Genomics
Classification: Likely benign. Review status: criteria provided, single submitter. Criteria: ACMG Guidelines, 2015. Collection method: not provided. Allele origin: germline. Inheritance: Autosomal recessive inheritance. Affected: yes.

Literature cited by the submitters: PubMed 19924463 (cited by Mayo Clinic Laboratories, Mayo Clinic and Athena Diagnostics); PubMed 22448230 (cited by Mayo Clinic Laboratories, Mayo Clinic and Athena Diagnostics); PubMed 27957625 (cited by Mayo Clinic Laboratories, Mayo Clinic and Athena Diagnostics); PubMed 25353622 (cited by Athena Diagnostics).